The following is an entry in ClinVar:

NM_001384732.1(CPLANE1):c.4643A>G (p.Asp1548Gly)

Gene: CPLANE1 (ciliogenesis and planar polarity effector complex subunit 1; minus strand). Cytogenetic location: 5p13.2.
Variant type: single nucleotide variant.
Coding change: c.4643A>G on transcript NM_001384732.1 (MANE Select); coding-DNA position 4643, A replaced by G.
Protein change: p.Asp1548Gly; replaces aspartic acid 1548 with glycine.
Molecular consequence: missense variant.
Genome position (GRCh38, 1-based): chr5:37,183,538, T>C on the plus strand (A>G on the coding strand, the complement: CPLANE1 is on the minus strand). VCF-style: chr5-37183538-T-C. GRCh37 (hg19) VCF-style: chr5-37183640-T-C.
Other names: c.4643A>G, p.Asp1548Gly (NM_023073.4); short protein forms D1548G.
Identifiers: ClinVar variation 427892 (VCV000427892.3), dbSNP rs759649053, ClinGen allele CA359497381.

ClinVar aggregate classification (germline): Conflicting classifications of pathogenicity. Review status: criteria provided, conflicting classifications (1 of 4 stars). 2 submissions from 2 submitters: Likely pathogenic (1); Uncertain significance (1). Last evaluated 2024-05-03.

Conditions:
Joubert syndrome 17 (JBTS17). Identifiers: Orphanet 475, MedGen C3553264, MONDO:0013824, OMIM 614615.

Submissions (2):

Women's Health and Genetics/Laboratory Corporation of America, LabCorp
Classification: Uncertain significance. Last evaluated: 2024-05-03. Review status: criteria provided, single submitter. Criteria: LabCorp Variant Classification Summary - May 2015. Collection method: clinical testing. Allele origin: germline.
Comment: Variant summary: CPLANE1 (alias C5ORF42) c.4643A>G (p.Asp1548Gly) results in a non-conservative amino acid change in the encoded protein sequence. Five of five in-silico tools predict a damaging effect of the variant on protein function. The variant allele was found at a frequency of 4e-06 in 250836 control chromosomes. The available data on variant occurrences in the general population are insufficient to allow any conclusion about variant significance. c.4643A>G has been reported in the literature in trans with a pathogenic variant in at least 1 individual affected with Joubert Syndrome And Related Disorders (example, Asadollahi_2018, Bonnard_2018). It was also found in the homozygous state in 1 individual undergoing genetic testing for a suspected neurological disorder (Ganapathy_2019) and in as an unspecfied genotype (i.e. zygosity unknown) in 1 individual with Joubert syndrome (Romani_2015). These data do not allow any conclusion about variant significance. To our knowledge, no experimental evidence demonstrating an impact on protein function has been reported. The following publications have been ascertained in the context of this evaluation (PMID: 29321670, 29605658, 31069529, 25407461). ClinVar contains an entry for this variant (Variation ID: 427892). Based on the evidence outlined above, the variant was classified as uncertain significance.

Institute of Medical Genetics, University of Zurich
Classification: Likely pathogenic for Joubert syndrome 17. Last evaluated: 2017-05-18. Review status: criteria provided, single submitter. Criteria: ACMG Guidelines, 2015. Collection method: clinical testing. Allele origin: inherited. Affected: yes. Observed: 1 compound heterozygote.

Literature cited by the submitters: PubMed 25407461 (cited by Women's Health and Genetics/Laboratory Corporation of America, LabCorp); PubMed 29605658 (cited by Women's Health and Genetics/Laboratory Corporation of America, LabCorp); PubMed 31069529 (cited by Women's Health and Genetics/Laboratory Corporation of America, LabCorp); PubMed 29321670 (cited by Women's Health and Genetics/Laboratory Corporation of America, LabCorp and Institute of Medical Genetics, University of Zurich).